The following is an entry in ClinVar:

NM_007327.4(GRIN1):c.1853G>T (p.Gly618Val)

Gene: GRIN1 (glutamate ionotropic receptor NMDA type subunit 1; plus strand). Cytogenetic location: 9q34.3.
Variant type: single nucleotide variant.
Coding change: c.1853G>T on transcript NM_007327.4 (MANE Select); coding-DNA position 1853, G replaced by T.
Protein change: p.Gly618Val; replaces glycine 618 with valine.
Molecular consequence: missense variant.
Genome position (GRCh38, 1-based): chr9:137,162,505, G>T. VCF-style: chr9-137162505-G-T. GRCh37 (hg19) VCF-style: chr9-140056957-G-T.
Other names: c.1853G>T, p.Gly618Val (NM_000832.7, NM_021569.4); c.1916G>T, p.Gly639Val (NM_001185090.2, NM_001185091.2); short protein forms G618V, G639V.
Identifiers: ClinVar variation 987514 (VCV000987514.2), dbSNP rs1833614725, ClinGen allele CA375719947.

ClinVar aggregate classification (germline): Pathogenic (1 of 4 stars; one submission).

Conditions:
Neurodevelopmental disorder with or without hyperkinetic movements and seizures, autosomal dominant. Also called: Intellectual disability, autosomal dominant 8. Identifiers: MedGen C3280282, MONDO:0013655, OMIM 614254.

Submission:

Institute for Genomic Statistics and Bioinformatics, University Hospital Bonn
Classification: Pathogenic for Neurodevelopmental disorder with or without hyperkinetic movements and seizures, autosomal dominant. Review status: criteria provided, single submitter. Criteria: ACMG Guidelines, 2015. Collection method: clinical testing. Allele origin: de novo. Inheritance: Autosomal dominant inheritance. Affected: yes. Observed: 1 heterozygote.
Comment: The variant in the Exon 14 leads to the exchange of the highly conserved amino acid glycine to valine at position 618 in GRIN1. Bioinformatic prediction programs like MutationTaster, SIFT, PolyPhen, FATHMM, MetaSVM, REVEL and other levels this variant (CADD score 27.8) as pathogenic. To ACMG guidelines become c.1853G>T in GRIN1 also classified as pathogenic. Classification according to ACMG guidelines of c.1853G>T in GRIN1: pathogenic - PS2: Neumutation (another independent validation is pending). - PM2: The variant was identified in population genetic studies (such as GnomAD, Iranome, GME, 1kGP, etc.) not observed. - PM5: A variant at the same position (p.Gly618Arg) is observed in UniProt (VAR_079992) and ClinVar as probably pathogenic classified. - PP2: Variants that change their meaning have already been classified as disease-causing. The Zsciore for the gene GRIN1 is 6.22, indicating an intolerance to sense-changing variants. 83.8% of all sense-altering variants not classified as variants of uncertain clinical significance) in the GRIN1 gene are pathogenic, which is above the threshold of 51.0%; and 23.9% of clinically reported variants in the GRIN1 gene are pathogenic, which is above the threshold of 12.0%. - PP3: Bioinformatic prediction programs such as SIFT, Polyphen, REVEL, Mutation Scanner and others classify this variant as pathogenic. The gene GRIN1 encodes a subunit of the NMDA receptor complex, which is a heterotetrameric, ligand controlled ion channel with high calcium permeability and voltage dependent sensitivity acts against magnesium. Mutations in GRIN1 (MIM#138249) were detected in patients with the autosomal dominant inherited form of neuronal developmental disorder with or without hyperkinetic movements and seizures (MIM#614254).2,3 Both patients with mutations in the M2 domain (p.Gly618Arg and p.Gly620Arg) showed severe intelligence loss without seizures.3 In functional studies it was shown that, among others, the variants p.Gly618Arg and p.Gly620Arg lead to loss of function of the NMDA receptor. In the prioritization of the exome data using PEDIA the gene GRIN1 was placed at position 1.